The following is an entry in ClinVar:

NM_025099.6(CTC1):c.67A>T (p.Ile23Phe)

Gene: CTC1 (CST telomere replication complex component 1; minus strand). Cytogenetic location: 17p13.1.
Variant type: single nucleotide variant.
Coding change: c.67A>T on transcript NM_025099.6 (MANE Select); coding-DNA position 67, A replaced by T.
Protein change: p.Ile23Phe; replaces isoleucine 23 with phenylalanine.
Molecular consequence: missense variant. On other transcripts: non-coding transcript variant (1).
Genome position (GRCh38, 1-based): chr17:8,243,115, T>A on the plus strand (A>T on the coding strand, the complement: CTC1 is on the minus strand). VCF-style: chr17-8243115-T-A. GRCh37 (hg19) VCF-style: chr17-8146433-T-A.
Other names: c.67A>T, p.Ile23Phe (NM_001411067.1); short protein forms I23F.
Identifiers: ClinVar variation 2913998 (VCV002913998.3), dbSNP rs1988411815, ClinGen allele CA397996743.

ClinVar aggregate classification (germline): Uncertain significance (1 of 4 stars; one submission).

Conditions:
Dyskeratosis congenita. Identifiers: Orphanet 1775, MedGen C0265965, MONDO:0015780.

Submission:

Labcorp Genetics (formerly Invitae), Labcorp
Classification: Uncertain significance for Dyskeratosis congenita. Last evaluated: 2023-03-31. Review status: criteria provided, single submitter. Criteria: Invitae Variant Classification Sherloc (09022015). Collection method: clinical testing. Allele origin: germline.
Comment: An algorithm developed to predict the effect of missense changes on protein structure and function (PolyPhen-2) suggests that this variant is likely to be disruptive. This variant has not been reported in the literature in individuals affected with CTC1-related conditions. This variant is not present in population databases (gnomAD no frequency). This sequence change replaces isoleucine, which is neutral and non-polar, with phenylalanine, which is neutral and non-polar, at codon 23 of the CTC1 protein (p.Ile23Phe). In summary, the available evidence is currently insufficient to determine the role of this variant in disease. Therefore, it has been classified as a Variant of Uncertain Significance.